The following is an entry in ClinVar:

ClinVar aggregate classification (germline): Uncertain significance. Review status: criteria provided, single submitter (1 of 4 stars). 2 submissions from 2 submitters: Uncertain significance (1). 1 of the submissions does not count toward it. Last evaluated 2025-04-17.

Conditions:
Autism (AUTS). Also called: Autistic disorder of childhood onset; Autistic disorder. Identifiers: MedGen C0004352, MeSH D001321, MONDO:0005260, OMIM 209850, HP:0000717.

Allele frequency attached by ClinVar (database versions not stated): gnomAD exomes below 0.00001 and 0.00001; gnomAD 0.00001; TOPMed 0.00002.
gnomAD v4.1: 5 of 1,613,770 alleles (0.00031%); highest among the groups gnomAD compares: East Asian, 0.0045%; no homozygotes.

Submissions (2):

Women's Health and Genetics/Laboratory Corporation of America, LabCorp
Classification: Uncertain significance. Last evaluated: 2025-04-17. Review status: criteria provided, single submitter. Criteria: LabCorp Variant Classification Summary - May 2015. Collection method: clinical testing. Allele origin: germline.
Comment: Variant summary: FOXN1 c.146C>T (p.Ser49Leu) results in a non-conservative amino acid change in the encoded protein sequence. Four of five in-silico tools predict a benign effect of the variant on protein function. The variant allele was found at a frequency of 4e-06 in 249072 control chromosomes. The available data on variant occurrences in the general population are insufficient to allow any conclusion about variant significance. To our knowledge, no occurrence of c.146C>T in individuals affected with Severe Combined Immunodeficiency and no experimental evidence demonstrating its impact on protein function have been reported. ClinVar contains an entry for this variant (Variation ID: 212710). Based on the evidence outlined above, the variant was classified as uncertain significance.

Laboratorio de Genetica Humana; Universidad de los Andes
Classification: Likely pathogenic for Autism. Last evaluated: 2013-10-01. Review status: no assertion criteria provided. Collection method: research. Allele origin: de novo. Inheritance: Autosomal unknown. Affected: yes. Not counted in ClinVar's aggregate classification.
Comment: De novo novel variant using whole exome sequencing in an ASD study in Colombian population

NM_001369369.1(FOXN1):c.146C>T (p.Ser49Leu)

Gene: FOXN1 (forkhead box N1; plus strand). Cytogenetic location: 17q11.2.
Variant type: single nucleotide variant.
Coding change: c.146C>T on transcript NM_001369369.1 (MANE Select); coding-DNA position 146, C replaced by T.
Protein change: p.Ser49Leu; replaces serine 49 with leucine.
Molecular consequence: missense variant.
Genome position (GRCh38, 1-based): chr17:28,524,525, C>T. VCF-style: chr17-28524525-C-T. GRCh37 (hg19) VCF-style: chr17-26851543-C-T.
Other names: c.146C>T, p.Ser49Leu (NM_003593.3); short protein forms S49L.
Identifiers: ClinVar variation 212710 (VCV000212710.3), dbSNP rs797046135, ClinGen allele CA276951.
Genomic context (GRCh38, chr17:28,524,525, plus strand): 5'-GCCTCCACTCACAGGCTCGCTACTCTCTGTCTACCCAGAAGCATGCCGGCTTCAGCTGCT[C>T]GTCATTTGTGTCCGACGGCCCTCCAGAGAGGACACCCTCACTGCCCCCACACAGCCCCCG-3'
Protein context (NP_001356298.1, residues 39-59): PQSKHAGFSC[Ser49Leu]SFVSDGPPER